The following is an entry in ClinVar:

NM_000051.4(ATM):c.5698T>G (p.Cys1900Gly)

Gene: ATM (ATM serine/threonine kinase; plus strand). Cytogenetic location: 11q22.3.
Variant type: single nucleotide variant.
Coding change: c.5698T>G on transcript NM_000051.4 (MANE Select); coding-DNA position 5698, T replaced by G.
Protein change: p.Cys1900Gly; replaces cysteine 1900 with glycine.
Molecular consequence: missense variant.
Genome position (GRCh38, 1-based): chr11:108,307,920, T>G. VCF-style: chr11-108307920-T-G. GRCh37 (hg19) VCF-style: chr11-108178647-T-G.
Other names: c.5698T>G (NM_000051.3); c.5698T>G, p.Cys1900Gly (NM_001351834.2); short protein forms C1900G.
Identifiers: ClinVar variation 1020057 (VCV001020057.9), dbSNP rs2083817433, ClinGen allele CA382547816.

ClinVar aggregate classification (germline): Uncertain significance. Review status: criteria provided, multiple submitters, no conflicts (2 of 4 stars). 2 submissions from 2 submitters: Uncertain significance (2). Last evaluated 2025-09-10.

Conditions:
Hereditary cancer-predisposing syndrome. Also called: Hereditary neoplastic syndrome; Neoplastic Syndromes, Hereditary; Tumor predisposition; Hereditary Cancer Syndrome. Identifiers: Orphanet 140162, MedGen C0027672, MeSH D009386, MONDO:0015356.
Ataxia-telangiectasia syndrome (AT). Also called: ATAXIA-TELANGIECTASIA, FRESNO VARIANT; Ataxia-telangiectasia, complementation group D; AT, COMPLEMENTATION GROUP C; Cerebello-oculocutaneous telangiectasia; Immunodeficiency with ataxia telangiectasia; Ataxia telangiectasia (A-T). Identifiers: Orphanet 100, MedGen C0004135, MONDO:0008840, OMIM 208900.

Submissions (2):

Ambry Genetics
Classification: Uncertain significance for Hereditary cancer-predisposing syndrome. Last evaluated: 2025-09-10. Review status: criteria provided, single submitter. Criteria: Ambry Variant Classification Scheme 2023. Collection method: clinical testing. Allele origin: germline.
Comment: The p.C1900G variant (also known as c.5698T>G), located in coding exon 37 of the ATM gene, results from a T to G substitution at nucleotide position 5698. The cysteine at codon 1900 is replaced by glycine, an amino acid with highly dissimilar properties. This amino acid position is conserved. In addition, this alteration is predicted to be tolerated by in silico analysis. Based on the available evidence, the clinical significance of this variant remains unclear.

Labcorp Genetics (formerly Invitae), Labcorp
Classification: Uncertain significance for Ataxia-telangiectasia syndrome. Last evaluated: 2022-08-16. Review status: criteria provided, single submitter. Criteria: Invitae Variant Classification Sherloc (09022015). Collection method: clinical testing. Allele origin: germline.
Comment: In summary, the available evidence is currently insufficient to determine the role of this variant in disease. Therefore, it has been classified as a Variant of Uncertain Significance. Advanced modeling of protein sequence and biophysical properties (such as structural, functional, and spatial information, amino acid conservation, physicochemical variation, residue mobility, and thermodynamic stability) performed at Invitae indicates that this missense variant is not expected to disrupt ATM protein function. ClinVar contains an entry for this variant (Variation ID: 1020057). This variant has not been reported in the literature in individuals affected with ATM-related conditions. This variant is not present in population databases (gnomAD no frequency). This sequence change replaces cysteine, which is neutral and slightly polar, with glycine, which is neutral and non-polar, at codon 1900 of the ATM protein (p.Cys1900Gly).